The following is an entry in ClinVar:

NM_000404.4(GLB1):c.-11G>A

Genes: GLB1 (galactosidase beta 1; minus strand), TMPPE (transmembrane protein with metallophosphoesterase domain; minus strand), LOC129936434 (ATAC-STARR-seq lymphoblastoid silent region 14182; plus strand). Cytogenetic location: 3p22.3.
Variant type: single nucleotide variant.
Coding change: c.-11G>A on transcript NM_000404.4 (MANE Select); 11 bases upstream of the start codon, G replaced by A.
Molecular consequence: 5 prime UTR variant.
Genome position (GRCh38, 1-based): chr3:33,097,096, C>T on the plus strand (G>A on the coding strand, the complement: GLB1 is on the minus strand). VCF-style: chr3-33097096-C-T. GRCh37 (hg19) VCF-style: chr3-33138588-C-T.
Other names: c.-11G>A (NM_001135602.3, NM_001317040.2, NM_001393580.1); c.-486G>A (NM_001039770.3); c.-382G>A (NM_001136238.2).
Identifiers: ClinVar variation 4684685 (VCV004684685.1).

ClinVar aggregate classification (germline): Likely benign (1 of 4 stars; one submission).

gnomAD v4.1: 17 of 1,612,112 alleles (0.0011%); highest among the groups gnomAD compares: Admixed American, 0.01%; no homozygotes.

Submission:

Mayo Clinic Laboratories, Mayo Clinic
Classification: Likely benign. Last evaluated: 2022-10-03. Review status: criteria provided, single submitter. Criteria: ACMG Guidelines, 2015. Collection method: clinical testing. Allele origin: germline. Observed: 2 variant alleles.
Comment: BP4